The following is an entry in ClinVar:

NM_024649.5(BBS1):c.744C>T (p.Pro248=)

Genes: BBS1 (Bardet-Biedl syndrome 1; plus strand), ZDHHC24 (zDHHC palmitoyltransferase 24; minus strand). Cytogenetic location: 11q13.2.
Variant type: single nucleotide variant.
Coding change: c.744C>T on transcript NM_024649.5 (MANE Select); coding-DNA position 744, C replaced by T.
Protein change: p.Pro248=; no amino-acid change (proline 248 retained).
Molecular consequence: synonymous variant. On other transcripts: 3 prime UTR variant (1).
Genome position (GRCh38, 1-based): chr11:66,521,290, C>T. VCF-style: chr11-66521290-C-T. GRCh37 (hg19) VCF-style: chr11-66288761-C-T.
Other names: c.*198G>A (NM_001348571.2).
Identifiers: ClinVar variation 434480 (VCV000434480.20), dbSNP rs528073027, ClinGen allele CA6123479.

ClinVar aggregate classification (germline): Conflicting classifications of pathogenicity. Review status: criteria provided, conflicting classifications (1 of 4 stars). 5 submissions from 5 submitters: Uncertain significance (2); Likely benign (2). 1 of the submissions does not count toward it. Last evaluated 2026-07-21.

Conditions:
BBS1-related disorder. Also called: BBS1-related condition.
Bardet-Biedl syndrome (BBS). Identifiers: Orphanet 110, MedGen C0752166, MONDO:0015229.
Bardet-Biedl syndrome 1 (BBS1). Identifiers: MedGen C2936862, MONDO:0008854, OMIM 209900. Disease mechanism: loss of function.

Allele frequency attached by ClinVar (database versions not stated): ExAC 0.00005; gnomAD 0.00006 and 0.00007; TOPMed 0.00010; 1000 Genomes Project 0.00020; gnomAD exomes 0.00006; 1000 Genomes Project 30x 0.00031.
gnomAD v4.1: 93 of 1,614,170 alleles (0.0058%); highest among the groups gnomAD compares: Admixed American, 0.025%; no homozygotes.

Submissions (5):

PreventionGenetics, part of Exact Sciences
Classification: Uncertain significance for BBS1-related condition. Last evaluated: 2026-07-21. Review status: criteria provided, single submitter. Criteria: ACMG Guidelines, 2015. Collection method: clinical testing. Allele origin: germline.
Comment: The BBS1 c.744C>T variant is not predicted to result in an amino acid change (p.=). This variant is predicted to alter splicing based on available splicing prediction programs (SpliceAI, Jaganathan et al. 2019. PubMed ID: 30661751). However, the use of computer prediction programs is not equivalent to functional evidence. To our knowledge, this variant has not been reported in the literature. This variant is reported in 0.028% of alleles in individuals of Latino descent in gnomAD. At this time, the clinical significance of this variant is uncertain due to the absence of conclusive functional and genetic evidence.

Labcorp Genetics (formerly Invitae), Labcorp
Classification: Likely benign for Bardet-Biedl syndrome. Last evaluated: 2026-02-04. Review status: criteria provided, single submitter. Criteria: Invitae Variant Classification Sherloc (09022015). Collection method: clinical testing. Allele origin: germline.

Blueprint Genetics
Classification: Likely benign. Last evaluated: 2024-02-16. Review status: criteria provided, single submitter. Criteria: ACMG Guidelines, 2015. Collection method: clinical testing. Allele origin: germline.

Genetic Services Laboratory, University of Chicago
Classification: Uncertain significance. Last evaluated: 2016-08-30. Review status: criteria provided, single submitter. Criteria: ACMG Guidelines, 2015. Collection method: clinical testing. Allele origin: germline. Affected: no.

Natera, Inc.
Classification: Uncertain significance for Bardet-Biedl syndrome type 1. Last evaluated: 2020-04-14. Review status: no assertion criteria provided. Collection method: clinical testing. Allele origin: germline. Not counted in ClinVar's aggregate classification.